The following is an entry in ClinVar:

NM_001330700.2(TOP2B):c.4522A>G (p.Lys1508Glu)

Gene: TOP2B (DNA topoisomerase II beta; minus strand). Cytogenetic location: 3p24.2.
Variant type: single nucleotide variant.
Coding change: c.4522A>G on transcript NM_001330700.2 (MANE Select); coding-DNA position 4522, A replaced by G.
Protein change: p.Lys1508Glu; replaces lysine 1508 with glutamic acid.
Molecular consequence: missense variant.
Genome position (GRCh38, 1-based): chr3:25,601,193, T>C on the plus strand (A>G on the coding strand, the complement: TOP2B is on the minus strand). VCF-style: chr3-25601193-T-C. GRCh37 (hg19) VCF-style: chr3-25642684-T-C.
Other names: c.4507A>G, p.Lys1503Glu (NM_001068.3); c.4507A>G (NM_001068.2); short protein forms K1503E, K1508E.
Identifiers: ClinVar variation 3339121 (VCV003339121.2).

ClinVar aggregate classification (germline): Uncertain significance. Review status: criteria provided, multiple submitters, no conflicts (2 of 4 stars). 2 submissions from 2 submitters: Uncertain significance (2). Last evaluated 2025-06-25.

gnomAD v4.1: 2 of 1,613,666 alleles (0.00012%); highest among the groups gnomAD compares: African/African-American, 0.0027%; no homozygotes.

Submissions (2):

Ambry Genetics
Classification: Uncertain significance. Last evaluated: 2025-06-25. Review status: criteria provided, single submitter. Criteria: Ambry Variant Classification Scheme 2023. Collection method: clinical testing. Allele origin: germline.

Women's Health and Genetics/Laboratory Corporation of America, LabCorp
Classification: Uncertain significance. Last evaluated: 2024-07-05. Review status: criteria provided, single submitter. Criteria: LabCorp Variant Classification Summary - May 2015. Collection method: clinical testing. Allele origin: germline.
Comment: Variant summary: TOP2B c.4507A>G (p.Lys1503Glu) results in a conservative amino acid change in the encoded protein sequence. Three of five in-silico tools predict a benign effect of the variant on protein function. The variant was absent in 248618 control chromosomes. The available data on variant occurrences in the general population are insufficient to allow any conclusion about variant significance. To our knowledge, no occurrence of c.4507A>G in individuals affected with TOP2B-Related Disorders and no experimental evidence demonstrating its impact on protein function have been reported. No submitters have cited clinical-significance assessments for this variant to ClinVar. Based on the evidence outlined above, the variant was classified as uncertain significance.